The following is an entry in ClinVar:

NM_031483.7(ITCH):c.643C>A (p.Pro215Thr)

Gene: ITCH (itchy E3 ubiquitin protein ligase; plus strand). Cytogenetic location: 20q11.22.
Variant type: single nucleotide variant.
Coding change: c.643C>A on transcript NM_031483.7 (MANE Select); coding-DNA position 643, C replaced by A.
Protein change: p.Pro215Thr; replaces proline 215 with threonine.
Molecular consequence: missense variant.
Genome position (GRCh38, 1-based): chr20:34,438,595, C>A. VCF-style: chr20-34438595-C-A. GRCh37 (hg19) VCF-style: chr20-33026400-C-A.
Other names: c.766C>A, p.Pro256Thr (NM_001257137.3, NM_001324197.2); c.313C>A, p.Pro105Thr (NM_001257138.3); c.643C>A, p.Pro215Thr (NM_001324198.2); short protein forms P256T, P105T, P215T.
Identifiers: ClinVar variation 1525660 (VCV001525660.8), dbSNP rs2146279955, ClinGen allele CA408662747.

ClinVar aggregate classification (germline): Uncertain significance (1 of 4 stars; one submission).

Conditions:
Syndromic multisystem autoimmune disease due to ITCH deficiency. Also called: AUTOIMMUNE DISEASE, MULTISYSTEM, WITH FACIAL DYSMORPHISM. Identifiers: Orphanet 228426, MedGen C3150649, MONDO:0013245, OMIM 613385.

Allele frequency attached by ClinVar (database versions not stated): gnomAD exomes below 0.00001.
gnomAD v4.1: 1 of 1,614,022 alleles (0.000062%); highest among the groups gnomAD compares: East Asian, 0.0022%; no homozygotes.

Submission:

Labcorp Genetics (formerly Invitae), Labcorp
Classification: Uncertain significance for Syndromic multisystem autoimmune disease due to ITCH deficiency. Last evaluated: 2022-03-03. Review status: criteria provided, single submitter. Criteria: Invitae Variant Classification Sherloc (09022015). Collection method: clinical testing. Allele origin: germline.
Comment: This sequence change replaces proline, which is neutral and non-polar, with threonine, which is neutral and polar, at codon 215 of the ITCH protein (p.Pro215Thr). In summary, the available evidence is currently insufficient to determine the role of this variant in disease. Therefore, it has been classified as a Variant of Uncertain Significance. Algorithms developed to predict the effect of missense changes on protein structure and function are either unavailable or do not agree on the potential impact of this missense change (SIFT: "Not Available"; PolyPhen-2: "Probably Damaging"; Align-GVGD: "Not Available"). This variant has not been reported in the literature in individuals affected with ITCH-related conditions. This variant is not present in population databases (gnomAD no frequency).